The following is an entry in ClinVar:

NM_025137.4(SPG11):c.3221G>C (p.Ser1074Thr)

Gene: SPG11 (SPG11 vesicle trafficking associated, spatacsin; minus strand). Cytogenetic location: 15q21.1.
Variant type: single nucleotide variant.
Coding change: c.3221G>C on transcript NM_025137.4 (MANE Select); coding-DNA position 3221, G replaced by C.
Protein change: p.Ser1074Thr; replaces serine 1074 with threonine.
Molecular consequence: missense variant.
Genome position (GRCh38, 1-based): chr15:44,610,910, C>G on the plus strand (G>C on the coding strand, the complement: SPG11 is on the minus strand). VCF-style: chr15-44610910-C-G. GRCh37 (hg19) VCF-style: chr15-44903108-C-G.
Other names: c.3221G>C, p.Ser1074Thr (NM_001160227.2); short protein forms S1074T.
Identifiers: ClinVar variation 374735 (VCV000374735.44), dbSNP rs758982525, ClinGen allele CA7535024.
Genomic context (GRCh38, chr15:44,610,910, plus strand): 5'-CCCCCAGGAGAATACATTGTAGTAGCAAGGGCCAGGAGGGTATGTCCTTCCAATAGCATA[C>G]TGCTTACACTGGCCTGATTGGTGGGAATCAAAATCTGAGCATTTGCAAGGCTAGCCTGGA-3'
Protein context (NP_079413.3, residues 1064-1084): LIPTNQASVS[Ser1074Thr]MLLEGHTLLA

ClinVar aggregate classification (germline): Uncertain significance. Review status: criteria provided, multiple submitters, no conflicts (2 of 4 stars). 2 submissions from 2 submitters: Uncertain significance (2). Last evaluated 2022-05-27.

Conditions:
Hereditary spastic paraplegia 11. Also called: Spastic Paraplegia 11; Spastic paraplegia, mental retardation and thin corpus callosum; Nakamura Osame syndrome; Autosomal recessive hereditary spastic paraplegia, mental impairment, and thin corpus callosum; SPASTIC PARAPLEGIA, AUTOSOMAL RECESSIVE, COMPLICATED, WITH THIN CORPUS CALLOSUM; SPASTIC PARAPLEGIA, AUTOSOMAL RECESSIVE, WITH MENTAL IMPAIRMENT AND THIN CORPUS CALLOSUM. Identifiers: Orphanet 2822, MedGen C1858479, MONDO:0011445, OMIM 604360.

Allele frequency attached by ClinVar (database versions not stated): ExAC 0.00001; gnomAD 0.00001; gnomAD exomes 0.00001; TOPMed 0.00001.
gnomAD v4.1: 21 of 1,613,740 alleles (0.0013%); highest among the groups gnomAD compares: Non-Finnish European, 0.0015%; no homozygotes.

Submissions (2):

Labcorp Genetics (formerly Invitae), Labcorp
Classification: Uncertain significance for Hereditary spastic paraplegia 11. Last evaluated: 2022-05-27. Review status: criteria provided, single submitter. Criteria: Invitae Variant Classification Sherloc (09022015). Collection method: clinical testing. Allele origin: germline.
Comment: This sequence change replaces serine, which is neutral and polar, with threonine, which is neutral and polar, at codon 1074 of the SPG11 protein (p.Ser1074Thr). This variant is present in population databases (rs758982525, gnomAD 0.002%). This variant has not been reported in the literature in individuals affected with SPG11-related conditions. ClinVar contains an entry for this variant (Variation ID: 374735). Algorithms developed to predict the effect of missense changes on protein structure and function are either unavailable or do not agree on the potential impact of this missense change (SIFT: "Deleterious"; PolyPhen-2: "Possibly Damaging"; Align-GVGD: "Class C0"). In summary, the available evidence is currently insufficient to determine the role of this variant in disease. Therefore, it has been classified as a Variant of Uncertain Significance.

CeGaT Center for Human Genetics Tuebingen
Classification: Uncertain significance. Last evaluated: 2016-07-01. Review status: criteria provided, single submitter. Criteria: CeGaT Center For Human Genetics Tuebingen Variant Classification Criteria Version 2. Collection method: clinical testing. Allele origin: germline. Affected: yes. Observed: 1 variant allele.